The following is an entry in ClinVar:

NM_006642.5(SDCCAG8):c.865_872dup (p.Val292fs)

Gene: SDCCAG8 (SHH signaling and ciliogenesis regulator SDCCAG8; plus strand). Cytogenetic location: 1q43.
Variant type: Duplication.
Coding change: c.865_872dup on transcript NM_006642.5 (MANE Select); coding-DNA positions 865 to 872, 8 bases duplicated (CATGAAGC; older notation c.865_872dupCATGAAGC).
Protein change: p.Val292fs; shifts the reading frame from valine 292.
Molecular consequence: frameshift variant. On other transcripts: 5 prime UTR variant (3).
Genome position (GRCh38, 1-based): chr1:243,308,113-243,308,120, CATGAAGC duplicated. VCF-style (leftmost placement, unchanged base first): chr1-243308112-G-GCATGAAGC. GRCh37 (hg19) VCF-style: chr1-243471414-G-GCATGAAGC.
Other names: c.-39_-32dup (NM_001350246.2, NM_001350247.2, NM_001350251.2); c.961_968dup, p.Val324fs (NM_001350248.2); c.571_578dup, p.Val194fs (NM_001350249.2); short protein forms V194fs, V292fs, V324fs.
Identifiers: ClinVar variation 1723414 (VCV001723414.1), dbSNP rs2547886067, ClinGen allele CA2580063486.

ClinVar aggregate classification (germline): Likely pathogenic (1 of 4 stars; one submission).

Conditions:
Bardet-Biedl syndrome (BBS). Identifiers: Orphanet 110, MedGen C0752166, MONDO:0015229.

Submission:

Women's Health and Genetics/Laboratory Corporation of America, LabCorp
Classification: Likely pathogenic for Bardet-Biedl syndrome. Last evaluated: 2022-10-28. Review status: criteria provided, single submitter. Criteria: LabCorp Variant Classification Summary - May 2015. Collection method: clinical testing. Allele origin: germline.
Comment: Variant summary: SDCCAG8 c.865_872dupCATGAAGC (p.Val292MetfsX27) results in a premature termination codon, predicted to cause a truncation of the encoded protein or absence of the protein due to nonsense mediated decay, which are commonly known mechanisms for disease. Truncations downstream of this position have been reported in association with Bardet-Biedl syndrome and Retinal-renal ciliopathy in HGMD. The variant was absent in 251396 control chromosomes. To our knowledge, no occurrence of c.865_872dupCATGAAGC in individuals affected with Bardet-Biedl Syndrome and no experimental evidence demonstrating its impact on protein function have been reported. No clinical diagnostic laboratories have submitted clinical-significance assessments for this variant to ClinVar after 2014. Based on the evidence outlined above, the variant was classified as likely pathogenic.